The following is an entry in ClinVar:

ClinVar aggregate classification (germline): Likely pathogenic (1 of 4 stars; one submission).

gnomAD v4.1: 2 of 1,562,698 alleles (0.00013%); no homozygotes.

Submission:

Labcorp Genetics (formerly Invitae), Labcorp
Classification: Likely pathogenic. Last evaluated: 2025-07-27. Review status: criteria provided, single submitter. Criteria: Invitae Variant Classification Sherloc (09022015). Collection method: clinical testing. Allele origin: germline.
Comment: This sequence change affects an acceptor splice site in intron 1 of the SEC63 gene. It is expected to disrupt RNA splicing. Variants that disrupt the donor or acceptor splice site typically lead to a loss of protein function (PMID: 16199547), and loss-of-function variants in SEC63 are known to be pathogenic (PMID: 20095989, 28375157). This variant is present in population databases (rs773641749, gnomAD 0.005%). This variant has not been reported in the literature in individuals affected with SEC63-related conditions. Algorithms developed to predict the effect of sequence changes on RNA splicing suggest that this variant may disrupt the consensus splice site. In summary, the currently available evidence indicates that the variant is pathogenic, but additional data are needed to prove that conclusively. Therefore, this variant has been classified as Likely Pathogenic.

Literature cited by the submitters: PubMed 16199547; PubMed 20095989; PubMed 28375157.

NM_007214.5(SEC63):c.125-1G>A

Gene: SEC63 (SEC63 protein translocation regulator; minus strand). Cytogenetic location: 6q21.
Variant type: single nucleotide variant.
Coding change: c.125-1G>A on transcript NM_007214.5 (MANE Select); the canonical splice acceptor site of the intron before coding-DNA position 125, G replaced by A.
Molecular consequence: splice acceptor variant.
Genome position (GRCh38, 1-based): chr6:107,929,515, C>T on the plus strand (G>A on the coding strand, the complement: SEC63 is on the minus strand). VCF-style: chr6-107929515-C-T. GRCh37 (hg19) VCF-style: chr6-108250719-C-T.
Identifiers: ClinVar variation 4724157 (VCV004724157.1).
Genomic context (GRCh38, chr6:107,929,515, plus strand): 5'-GTAAACGATACCACATACACCTTCCATATACTTTTCTGATATTCTTTAATCGAATTTGCT[C>T]TGTCAAGAAAGAAAAATAAGATGAATTAAAAACCATTTTTCACAAGTGAAGGTAAAACCA-3'